The following is an entry in ClinVar:

ClinVar aggregate classification (germline): Uncertain significance. Review status: criteria provided, multiple submitters, no conflicts (2 of 4 stars). 2 submissions from 2 submitters: Uncertain significance (2). Last evaluated 2023-10-10.

Conditions:
Nance-Horan syndrome (NHS). Identifiers: Orphanet 627, MedGen C0796085, MONDO:0010545, OMIM 302350.

Allele frequency attached by ClinVar (database versions not stated): gnomAD exomes 0.00001 and 0.00004; gnomAD 0.00004 and 0.00005; ExAC 0.00005; TOPMed 0.00006; ESP Exome Variant Server 0.00019.
gnomAD v4.1: 14 of 1,209,470 alleles (0.0012%); highest among the groups gnomAD compares: Middle Eastern, 0.023%; no homozygotes.

Submissions (2):

Labcorp Genetics (formerly Invitae), Labcorp
Classification: Uncertain significance for Nance-Horan syndrome. Last evaluated: 2023-10-10. Review status: criteria provided, single submitter. Criteria: Invitae Variant Classification Sherloc (09022015). Collection method: clinical testing. Allele origin: germline.
Comment: This sequence change replaces threonine, which is neutral and polar, with methionine, which is neutral and non-polar, at codon 1151 of the NHS protein (p.Thr1151Met). This variant is present in population databases (rs149099378, gnomAD 0.03%). This variant has not been reported in the literature in individuals affected with NHS-related conditions. ClinVar contains an entry for this variant (Variation ID: 287144). Advanced modeling of protein sequence and biophysical properties (such as structural, functional, and spatial information, amino acid conservation, physicochemical variation, residue mobility, and thermodynamic stability) performed at Invitae indicates that this missense variant is not expected to disrupt NHS protein function. In summary, the available evidence is currently insufficient to determine the role of this variant in disease. Therefore, it has been classified as a Variant of Uncertain Significance.

Eurofins Ntd Llc (ga)
Classification: Uncertain significance. Last evaluated: 2016-04-29. Review status: criteria provided, single submitter. Criteria: EGL Classification Definitions 2015. Collection method: clinical testing. Allele origin: germline. Observed: 1 variant allele, 1 heterozygote.

NM_001291867.2(NHS):c.3515C>T (p.Thr1172Met)

Gene: NHS (NHS actin remodeling regulator; plus strand). Cytogenetic location: Xp22.13.
Variant type: single nucleotide variant.
Coding change: c.3515C>T on transcript NM_001291867.2 (MANE Select); coding-DNA position 3515, C replaced by T.
Protein change: p.Thr1172Met; replaces threonine 1172 with methionine.
Molecular consequence: missense variant.
Genome position (GRCh38, 1-based): chrX:17,727,621, C>T. VCF-style: chrX-17727621-C-T. GRCh37 (hg19) VCF-style: chrX-17745741-C-T.
Other names: c.2984C>T, p.Thr995Met (NM_001136024.4); c.2921C>T, p.Thr974Met (NM_001291868.2); c.3452C>T, p.Thr1151Met (NM_198270.4); short protein forms T1151M, T1172M, T974M, T995M.
Identifiers: ClinVar variation 287144 (VCV000287144.8), dbSNP rs149099378, ClinGen allele CA10358829.
Genomic context (GRCh38, chrX:17,727,621, plus strand): 5'-TTAAGCAAAAAGAAGAAAACAATACAGATCTCCCTTATTTAGAGGAAAGCACACTCACAA[C>T]GGCTGCCTTGTCTCCAAGTAAGATTAGGCCGCATACAGCAAATAAATCAGTATCTCGTCA-3'
Protein context (NP_001278796.1, residues 1162-1182): LPYLEESTLT[Thr1172Met]AALSPSKIRP